The following is an entry in ClinVar:

ClinVar aggregate classification (germline): Uncertain significance. Review status: criteria provided, multiple submitters, no conflicts (2 of 4 stars). 3 submissions from 3 submitters: Uncertain significance (3). Last evaluated 2024-02-20.

Conditions:
Hereditary cancer-predisposing syndrome. Also called: Tumor predisposition; Hereditary Cancer Syndrome; Hereditary neoplastic syndrome; Neoplastic Syndromes, Hereditary. Identifiers: Orphanet 140162, MedGen C0027672, MeSH D009386, MONDO:0015356.
Neurofibromatosis, type 2 (SWNV). Also called: BILATERAL ACOUSTIC NEUROFIBROMATOSIS; SCHWANNOMATOSIS, VESTIBULAR; NF2-Related Schwannomatosis. Identifiers: Orphanet 637, MedGen C0027832, MONDO:0007039, OMIM 101000. Disease mechanism: loss of function.

Allele frequency attached by ClinVar (database versions not stated): gnomAD exomes below 0.00001.
gnomAD v4.1: 1 of 1,613,688 alleles (0.000062%); highest among the groups gnomAD compares: Non-Finnish European, 0.000085%; no homozygotes.

Submissions (3):

Labcorp Genetics (formerly Invitae), Labcorp
Classification: Uncertain significance for Neurofibromatosis, type 2. Last evaluated: 2024-02-20. Review status: criteria provided, single submitter. Criteria: Invitae Variant Classification Sherloc (09022015). Collection method: clinical testing. Allele origin: germline.
Comment: This sequence change replaces threonine, which is neutral and polar, with proline, which is neutral and non-polar, at codon 581 of the NF2 protein (p.Thr581Pro). This variant is not present in population databases (gnomAD no frequency). This variant has not been reported in the literature in individuals affected with NF2-related conditions. ClinVar contains an entry for this variant (Variation ID: 819951). Advanced modeling of protein sequence and biophysical properties (such as structural, functional, and spatial information, amino acid conservation, physicochemical variation, residue mobility, and thermodynamic stability) performed at Invitae indicates that this missense variant is not expected to disrupt NF2 protein function with a negative predictive value of 80%. In summary, the available evidence is currently insufficient to determine the role of this variant in disease. Therefore, it has been classified as a Variant of Uncertain Significance.

All of Us Research Program, National Institutes of Health
Classification: Uncertain significance for Neurofibromatosis, type 2. Last evaluated: 2023-08-15. Review status: criteria provided, single submitter. Criteria: ACMG Guidelines, 2015. Collection method: clinical testing. Allele origin: germline. Inheritance: Autosomal dominant inheritance. Observed: 1 variant allele, 1 heterozygote.
Comment: This study involves interpretation of variants in research participants for the purpose of population health screening. Participant phenotype was not available at the time of variant classification. Additional details can be found in publication PMID: 35346344, PMCID: PMC8962531

Ambry Genetics
Classification: Uncertain significance for Hereditary cancer-predisposing syndrome. Last evaluated: 2019-12-12. Review status: criteria provided, single submitter. Criteria: Ambry Variant Classification Scheme 2023. Collection method: clinical testing. Allele origin: germline.
Comment: The p.T581P variant (also known as c.1741A>C), located in coding exon 16 of the NF2 gene, results from an A to C substitution at nucleotide position 1741. The threonine at codon 581 is replaced by proline, an amino acid with highly similar properties. This amino acid position is highly conserved in available vertebrate species. In addition, the in silico prediction for this alteration is inconclusive. Since supporting evidence is limited at this time, the clinical significance of this alteration remains unclear.

NM_000268.4(NF2):c.1741A>C (p.Thr581Pro)

Gene: NF2 (NF2, moesin-ezrin-radixin like (MERLIN) tumor suppressor; plus strand). Cytogenetic location: 22q12.2.
Variant type: single nucleotide variant.
Coding change: c.1741A>C on transcript NM_000268.4 (MANE Select); coding-DNA position 1741, A replaced by C.
Protein change: p.Thr581Pro; replaces threonine 581 with proline.
Molecular consequence: missense variant. On other transcripts: 3 prime UTR variant (5), non-coding transcript variant (1).
Genome position (GRCh38, 1-based): chr22:29,694,755, A>C. VCF-style: chr22-29694755-A-C. GRCh37 (hg19) VCF-style: chr22-30090744-A-C.
Other names: c.*13A>C (NM_016418.5, NM_181828.3, NM_181829.3 and 1 more transcripts); c.*28A>C (NM_181832.3); c.451A>C, p.Thr151Pro (NM_181833.3); short protein forms T581P, T151P.
Identifiers: ClinVar variation 819951 (VCV000819951.7), dbSNP rs1601688849, ClinGen allele CA411152120.
Genomic context (GRCh38, chr22:29,694,755, plus strand): 5'-CTGTGTGACAGAGCGGAGGTCTTGTGCCCTCTCAGCTTCTTCTCTGCTTTCTTACAGCTC[A>C]CCTTGCAGAGCGCCAAGTCCCGAGTGGCCTTCTTTGAAGAGCTCTAGCAGGTGACCCAGC-3'
Protein context (NP_000259.1, residues 571-591): SSKHNTIKKL[Thr581Pro]LQSAKSRVAF